The following is an entry in ClinVar:

ClinVar aggregate classification (germline): Pathogenic (1 of 4 stars; one submission).

Submission:

GeneDx
Classification: Pathogenic. Last evaluated: 2016-06-24. Review status: criteria provided, single submitter. Criteria: GeneDx Variant Classification (06012015). Collection method: clinical testing. Allele origin: germline. Affected: yes.
Comment: The c.726delCinsAA pathogenic variant in the TUBGCP4 gene causes a frameshift starting with codon Leucine 243, changes this amino acid to a Threonine residue and creates a premature Stop codon at position 3 of the new reading frame, denoted p.Leu243ThrfsX3. This pathogenic variant is predicted to cause loss of normal protein function either through protein truncation or nonsense-mediated mRNA decay. The variant was not observed in approximately 6,500 individuals of European and African American ancestry in the NHLBI Exome Sequencing Project, indicating it is not a common benign variant in these populations. Although this variant has not been previously reported to our knowledge, we consider it to be pathogenic.

NM_014444.5(TUBGCP4):c.726delinsAA (p.Leu243fs)

Gene: TUBGCP4 (tubulin gamma complex associated protein 4; plus strand). Cytogenetic location: 15q15.3.
Variant type: Indel.
Coding change: c.726delinsAA on transcript NM_014444.5 (MANE Select); coding-DNA position 726, C replaced by AA.
Protein change: p.Leu243fs; shifts the reading frame from leucine 243.
Molecular consequence: frameshift variant.
Genome position (GRCh38, 1-based): chr15:43,385,793, C replaced by AA. VCF-style: chr15-43385793-C-AA. GRCh37 (hg19) VCF-style: chr15-43677991-C-AA.
Other names: c.726delinsAA, p.Leu243fs (NM_001286414.3); short protein forms L243fs.
Identifiers: ClinVar variation 265616 (VCV000265616.2), dbSNP rs886039671, ClinGen allele CA10588584.